The following is an entry in ClinVar:

NM_032444.4(SLX4):c.1917G>T (p.Gly639=)

Gene: SLX4 (SLX4 structure-specific endonuclease subunit; minus strand). Cytogenetic location: 16p13.3.
Variant type: single nucleotide variant.
Coding change: c.1917G>T on transcript NM_032444.4 (MANE Select); coding-DNA position 1917, G replaced by T.
Protein change: p.Gly639=; no amino-acid change (glycine 639 retained).
Molecular consequence: synonymous variant.
Genome position (GRCh38, 1-based): chr16:3,596,160, C>A on the plus strand (G>T on the coding strand, the complement: SLX4 is on the minus strand). VCF-style: chr16-3596160-C-A. GRCh37 (hg19) VCF-style: chr16-3646161-C-A.
Identifiers: ClinVar variation 2919947 (VCV002919947.3), dbSNP rs933524149, ClinGen allele CA276962285.

ClinVar aggregate classification (germline): Uncertain significance (1 of 4 stars; one submission).

Conditions:
Fanconi anemia (FA). Also called: Fanconi's anemia. Identifiers: Orphanet 84, MedGen C0015625, MeSH D005199, MONDO:0019391.

Allele frequency attached by ClinVar (database versions not stated): gnomAD exomes below 0.00001; gnomAD 0.00001; TOPMed 0.00001.
gnomAD v4.1: 7 of 1,550,898 alleles (0.00045%); highest among the groups gnomAD compares: African/African-American, 0.0082%; no homozygotes.

Submission:

Labcorp Genetics (formerly Invitae), Labcorp
Classification: Uncertain significance for Fanconi anemia. Last evaluated: 2024-03-28. Review status: criteria provided, single submitter. Criteria: Invitae Variant Classification Sherloc (09022015). Collection method: clinical testing. Allele origin: germline.
Comment: This sequence change affects codon 639 of the SLX4 mRNA. It is a 'silent' change, meaning that it does not change the encoded amino acid sequence of the SLX4 protein. The frequency data for this variant in the population databases is considered unreliable, as metrics indicate poor data quality at this position in the gnomAD database. This variant has not been reported in the literature in individuals affected with SLX4-related conditions. Algorithms developed to predict the effect of sequence changes on RNA splicing suggest that this variant may create or strengthen a splice site. In summary, the available evidence is currently insufficient to determine the role of this variant in disease. Therefore, it has been classified as a Variant of Uncertain Significance.